The following is an entry in ClinVar:

ClinVar aggregate classification (germline): Uncertain significance. Review status: criteria provided, single submitter (1 of 4 stars). 2 submissions from 2 submitters: Uncertain significance (1). 1 of the submissions does not count toward it. Last evaluated 2017-04-20.

Conditions:
Charlevoix-Saguenay spastic ataxia (SACS). Also called: SPASTIC ATAXIA 6, AUTOSOMAL RECESSIVE; Spastic ataxia of Charlevoix-Saguenay; AUTOSOMAL RECESSIVE SPASTIC ATAXIA OF CHARLEVOIX-SAGUENAY. Identifiers: Orphanet 98, MedGen C1849140, MONDO:0010041, OMIM 270550.

Allele frequency attached by ClinVar (database versions not stated): gnomAD exomes below 0.00001; TOPMed 0.00001.
gnomAD v4.1: 1 of 1,613,490 alleles (0.000062%); highest among the groups gnomAD compares: Non-Finnish European, 0.000085%; no homozygotes.

Submissions (2):

GeneDx
Classification: Uncertain significance. Last evaluated: 2017-04-20. Review status: criteria provided, single submitter. Criteria: GeneDx Variant Classification (06012015). Collection method: clinical testing. Allele origin: germline. Affected: yes.
Comment: The A3096T variant in the SACS gene has not been reported previously as a pathogenic variant, nor as a benign variant, to our knowledge. The A3096T variant is not observed in large population cohorts (Lek et al., 2016; 1000 Genomes Consortium et al., 2015; Exome Variant Server). The A3096T variant is a non-conservative amino acid substitution, which occurs at a position that is conserved in mammals. In silico analysis is inconsistent in its predictions as to whether or not the variant is damaging to the protein structure/function. We interpret A3096T as a variant of uncertain significance.

Natera, Inc.
Classification: Uncertain significance for Charlevoix-Saguenay type spastic ataxia. Last evaluated: 2020-12-17. Review status: no assertion criteria provided. Collection method: clinical testing. Allele origin: germline. Not counted in ClinVar's aggregate classification.

NM_014363.6(SACS):c.9286G>A (p.Ala3096Thr)

Gene: SACS (sacsin molecular chaperone; minus strand). Cytogenetic location: 13q12.12.
Variant type: single nucleotide variant.
Coding change: c.9286G>A on transcript NM_014363.6 (MANE Select); coding-DNA position 9286, G replaced by A.
Protein change: p.Ala3096Thr; replaces alanine 3096 with threonine.
Molecular consequence: missense variant.
Genome position (GRCh38, 1-based): chr13:23,334,590, C>T on the plus strand (G>A on the coding strand, the complement: SACS is on the minus strand). VCF-style: chr13-23334590-C-T. GRCh37 (hg19) VCF-style: chr13-23908729-C-T.
Other names: c.8845G>A, p.Ala2949Thr (NM_001278055.2); short protein forms A3096T, A2949T.
Identifiers: ClinVar variation 426329 (VCV000426329.3), dbSNP rs1085307569, ClinGen allele CA387514775.
Genomic context (GRCh38, chr13:23,334,590, plus strand): 5'-TCCCAATATGGCAATTAGTGTCAGGAGAGGAAAATGTCATTAAAAAAGATCTGATATCAG[C>T]AGGGGTCACATAACTAACAGGAATATCTGCATCTATAAGACAGTGGTAAAGATTAGCAGT-3'
Protein context (NP_055178.3, residues 3086-3106): ADIPVSYVTP[Ala3096Thr]DIRSFLMTFS